The following is an entry in ClinVar:

NM_001374828.1(ARID1B):c.1260A>C (p.Gly420=)

Gene: ARID1B (AT-rich interaction domain 1B; plus strand). Cytogenetic location: 6q25.3.
Variant type: single nucleotide variant.
Coding change: c.1260A>C on transcript NM_001374828.1 (MANE Select); coding-DNA position 1260, A replaced by C.
Protein change: p.Gly420=; no amino-acid change (glycine 420 retained).
Molecular consequence: synonymous variant.
Genome position (GRCh38, 1-based): chr6:156,778,940, A>C. VCF-style: chr6-156778940-A-C. GRCh37 (hg19) VCF-style: chr6-157100074-A-C.
Other names: c.1011A>C (NM_020732.3); c.1260A>C, p.Gly420= (NM_001371656.1, NM_001374820.1, NM_017519.3).
Identifiers: ClinVar variation 1304912 (VCV001304912.2), dbSNP rs2114991037, ClinGen allele CA452989736.
Genomic context (GRCh38, chr6:156,778,940, plus strand): 5'-AGGAGGCAGCGGAGGAGGAGGAGGAGGAGGAGGAGCAGGAGCAGGAGGAGCAGGAGCGGG[A>C]GCTGTGGCGGCGGCGGCCGCGGCGGCGGCGGCAGCAGCAGGAGGCGGCGGCGGCGGCGGC-3'
Protein context (NP_001361757.1, residues 410-430): GGAGAGGAGA[Gly420=]AVAAAAAAAA

ClinVar aggregate classification (germline): Uncertain significance (1 of 4 stars; one submission).

Submission:

GeneDx
Classification: Uncertain significance. Last evaluated: 2019-12-03. Review status: criteria provided, single submitter. Criteria: GeneDx Variant Classification Process June 2021. Collection method: clinical testing. Allele origin: germline. Affected: yes.
Comment: Not observed in large population cohorts (Lek et al., 2016); In silico analysis, which includes protein predictors and evolutionary conservation, supports that this variant does not alter protein structure/function; Has not been previously published as pathogenic or benign to our knowledge